The following is an entry in ClinVar:

NM_014915.3(ANKRD26):c.1846A>C (p.Lys616Gln)

Gene: ANKRD26 (ankyrin repeat domain 26; minus strand). Cytogenetic location: 10p12.1.
Variant type: single nucleotide variant.
Coding change: c.1846A>C on transcript NM_014915.3 (MANE Select); coding-DNA position 1846, A replaced by C.
Protein change: p.Lys616Gln; replaces lysine 616 with glutamine.
Molecular consequence: missense variant.
Genome position (GRCh38, 1-based): chr10:27,046,492, T>G on the plus strand (A>C on the coding strand, the complement: ANKRD26 is on the minus strand). VCF-style: chr10-27046492-T-G. GRCh37 (hg19) VCF-style: chr10-27335421-T-G.
Other names: c.1843A>C, p.Lys615Gln (NM_001256053.2); short protein forms K615Q, K616Q.
Identifiers: ClinVar variation 1717521 (VCV001717521.5), dbSNP rs2054450165, ClinGen allele CA376353347.

ClinVar aggregate classification (germline): Uncertain significance (1 of 4 stars; one submission).

Submission:

Labcorp Genetics (formerly Invitae), Labcorp
Classification: Uncertain significance. Last evaluated: 2022-08-21. Review status: criteria provided, single submitter. Criteria: Invitae Variant Classification Sherloc (09022015). Collection method: clinical testing. Allele origin: germline.
Comment: In summary, the available evidence is currently insufficient to determine the role of this variant in disease. Therefore, it has been classified as a Variant of Uncertain Significance. Algorithms developed to predict the effect of missense changes on protein structure and function (SIFT, PolyPhen-2, Align-GVGD) all suggest that this variant is likely to be tolerated. This variant has not been reported in the literature in individuals affected with ANKRD26-related conditions. This variant is not present in population databases (gnomAD no frequency). This sequence change replaces lysine, which is basic and polar, with glutamine, which is neutral and polar, at codon 616 of the ANKRD26 protein (p.Lys616Gln).